The following is an entry in ClinVar:

NM_001130823.3(DNMT1):c.919A>G (p.Lys307Glu)

Gene: DNMT1 (DNA methyltransferase 1; minus strand). Cytogenetic location: 19p13.2.
Variant type: single nucleotide variant.
Coding change: c.919A>G on transcript NM_001130823.3 (MANE Select); coding-DNA position 919, A replaced by G.
Protein change: p.Lys307Glu; replaces lysine 307 with glutamic acid.
Molecular consequence: missense variant.
Genome position (GRCh38, 1-based): chr19:10,163,333, T>C on the plus strand (A>G on the coding strand, the complement: DNMT1 is on the minus strand). VCF-style: chr19-10163333-T-C. GRCh37 (hg19) VCF-style: chr19-10274009-T-C.
Other names: c.919A>G (NM_001130823.2, LRG_362t1); c.871A>G, p.Lys291Glu (NM_001318730.2, NM_001379.4); c.556A>G, p.Lys186Glu (NM_001318731.2); short protein forms K307E, K291E, K186E.
Identifiers: ClinVar variation 234681 (VCV000234681.13), dbSNP rs148831705, ClinGen allele CA9188527.

ClinVar aggregate classification (germline): Conflicting classifications of pathogenicity. Review status: criteria provided, conflicting classifications (1 of 4 stars). 6 submissions from 6 submitters: Uncertain significance (3); Likely benign (1). 2 of the submissions do not count toward it. Last evaluated 2026-06-15.

Conditions:
DNMT1-related disorder. Also called: DNMT1-related condition. Identifiers: MedGen CN381527.
Hereditary sensory neuropathy-deafness-dementia syndrome. Also called: HSN IE; Hereditary Sensory and Autonomic Neuropathy Type 1E (HSAN1E); Hereditary sensory neuropathy type IE; NEUROPATHY, HEREDITARY SENSORY, WITH HEARING LOSS AND DEMENTIA. Identifiers: Orphanet 456318, MedGen C3279885, MONDO:0013584, OMIM 614116.

Allele frequency attached by ClinVar (database versions not stated): ExAC 0.00005; gnomAD exomes 0.00005; gnomAD 0.00007 and 0.00008; TOPMed 0.00008; ESP Exome Variant Server 0.00015.
gnomAD v4.1: 88 of 1,613,902 alleles (0.0055%); highest among the groups gnomAD compares: Middle Eastern, 0.033%; no homozygotes.

Submissions (6):

PreventionGenetics, part of Exact Sciences
Classification: Uncertain significance for DNMT1-related condition. Last evaluated: 2026-06-15. Review status: criteria provided, single submitter. Criteria: ACMG Guidelines, 2015. Collection method: clinical testing. Allele origin: germline.
Comment: The DNMT1 c.919A>G variant is predicted to result in the amino acid substitution p.Lys307Glu. To our knowledge, this variant has not been reported in the literature. This variant is reported in 0.0085% of alleles in individuals of Latino descent in gnomAD. At this time, the clinical significance of this variant is uncertain due to the absence of conclusive functional and genetic evidence.

Labcorp Genetics (formerly Invitae), Labcorp
Classification: Uncertain significance for Hereditary sensory neuropathy-deafness-dementia syndrome. Last evaluated: 2025-12-29. Review status: criteria provided, single submitter. Criteria: Invitae Variant Classification Sherloc (09022015). Collection method: clinical testing. Allele origin: germline.
Comment: This sequence change replaces lysine, which is basic and polar, with glutamic acid, which is acidic and polar, at codon 307 of the DNMT1 protein (p.Lys307Glu). This variant is present in population databases (rs148831705, gnomAD 0.009%). This variant has not been reported in the literature in individuals affected with DNMT1-related conditions. ClinVar contains an entry for this variant (Variation ID: 234681). An algorithm developed to predict the effect of missense changes on protein structure and function (PolyPhen-2) suggests that this variant is likely to be tolerated. In summary, the available evidence is currently insufficient to determine the role of this variant in disease. Therefore, it has been classified as a Variant of Uncertain Significance.

Women's Health and Genetics/Laboratory Corporation of America, LabCorp
Classification: Uncertain significance. Last evaluated: 2024-04-22. Review status: criteria provided, single submitter. Criteria: LabCorp Variant Classification Summary - May 2015. Collection method: clinical testing. Allele origin: germline.
Comment: Variant summary: DNMT1 c.919A>G (p.Lys307Glu) results in a conservative amino acid change in the encoded protein sequence. Five of five in-silico tools predict a benign effect of the variant on protein function. The variant allele was found at a frequency of 4.8e-05 in 251296 control chromosomes. To our knowledge, no occurrence of c.919A>G in individuals affected with Hereditary Sensory Neuropathy-Deafness Syndrome and no experimental evidence demonstrating its impact on protein function have been reported. ClinVar contains an entry for this variant (Variation ID: 234681). Based on the evidence outlined above, the variant was classified as uncertain significance.

GeneDx
Classification: Likely benign. Last evaluated: 2021-02-22. Review status: criteria provided, single submitter. Criteria: GeneDx Variant Classification Process June 2021. Collection method: clinical testing. Allele origin: germline. Affected: yes.
Comment: This variant is associated with the following publications: (PMID: no PMID)

Clinical Genetics DNA and cytogenetics Diagnostics Lab, Erasmus MC, Erasmus Medical Center
Classification: Likely benign. Review status: no assertion criteria provided. Collection method: clinical testing. Allele origin: germline. Affected: yes. Study: VKGL Data-share Consensus. Not counted in ClinVar's aggregate classification.

Laboratory of Diagnostic Genome Analysis, Leiden University Medical Center (LUMC)
Classification: Likely benign. Review status: no assertion criteria provided. Collection method: clinical testing. Allele origin: germline. Affected: yes. Study: VKGL Data-share Consensus. Not counted in ClinVar's aggregate classification.